The following is an entry in ClinVar:

NM_020975.6(RET):c.1440A>C (p.Glu480Asp)

Gene: RET (ret proto-oncogene; plus strand). Cytogenetic location: 10q11.21.
Variant type: single nucleotide variant.
Coding change: c.1440A>C on transcript NM_020975.6 (MANE Select); coding-DNA position 1440, A replaced by C.
Protein change: p.Glu480Asp; replaces glutamic acid 480 with aspartic acid.
Molecular consequence: missense variant.
Genome position (GRCh38, 1-based): chr10:43,111,383, A>C. VCF-style: chr10-43111383-A-C. GRCh37 (hg19) VCF-style: chr10-43606831-A-C.
Other names: c.1002A>C, p.Glu334Asp (NM_001406771.1, NM_001406773.1); c.1044A>C, p.Glu348Asp (NM_001406772.1, NM_001406769.1); c.915A>C, p.Glu305Asp (NM_001406774.1); c.714A>C, p.Glu238Asp (NM_001406775.1, NM_001406776.1, NM_001406777.1 and 1 more transcripts); c.450A>C, p.Glu150Asp (NM_001406784.1); c.1440A>C, p.Glu480Asp (NM_020629.2, NM_020630.7, NM_000323.2 and 6 more transcripts); c.678A>C, p.Glu226Asp (NM_001355216.2); c.1311A>C, p.Glu437Asp (NM_001406761.1, NM_001406762.1, NM_001406764.1 and 1 more transcripts); and 1 more; short protein forms E226D, E480D, E238D, E334D, E384D, E437D, E305D, E150D.
Identifiers: ClinVar variation 819224 (VCV000819224.12), dbSNP rs763296134, ClinGen allele CA376549623.

ClinVar aggregate classification (germline): Uncertain significance. Review status: criteria provided, multiple submitters, no conflicts (2 of 4 stars). 2 submissions from 2 submitters: Uncertain significance (2). Last evaluated 2025-04-17.

Conditions:
Hereditary cancer-predisposing syndrome. Also called: Tumor predisposition; Hereditary neoplastic syndrome; Neoplastic Syndromes, Hereditary; Hereditary Cancer Syndrome. Identifiers: Orphanet 140162, MedGen C0027672, MeSH D009386, MONDO:0015356.
Multiple endocrine neoplasia, type 2 (MEN2). Identifiers: Orphanet 653, MedGen C4048306, MONDO:0019003. Disease mechanism: gain of function.

Submissions (2):

Ambry Genetics
Classification: Uncertain significance for Hereditary cancer-predisposing syndrome. Last evaluated: 2025-04-17. Review status: criteria provided, single submitter. Criteria: Ambry Variant Classification Scheme 2023. Collection method: clinical testing. Allele origin: germline.
Comment: The p.E480D variant (also known as c.1440A>C), located in coding exon 7 of the RET gene, results from an A to C substitution at nucleotide position 1440. The glutamic acid at codon 480 is replaced by aspartic acid, an amino acid with highly similar properties. This amino acid position is not well conserved in available vertebrate species. In addition, this alteration is predicted to be tolerated by in silico analysis. Since supporting evidence is limited at this time, the clinical significance of this alteration remains unclear.

Labcorp Genetics (formerly Invitae), Labcorp
Classification: Uncertain significance for Multiple endocrine neoplasia, type 2. Last evaluated: 2022-04-19. Review status: criteria provided, single submitter. Criteria: Invitae Variant Classification Sherloc (09022015). Collection method: clinical testing. Allele origin: germline.
Comment: This sequence change replaces glutamic acid, which is acidic and polar, with aspartic acid, which is acidic and polar, at codon 480 of the RET protein (p.Glu480Asp). This variant is not present in population databases (gnomAD no frequency). In summary, the available evidence is currently insufficient to determine the role of this variant in disease. Therefore, it has been classified as a Variant of Uncertain Significance. Algorithms developed to predict the effect of missense changes on protein structure and function (SIFT, PolyPhen-2, Align-GVGD) all suggest that this variant is likely to be tolerated. ClinVar contains an entry for this variant (Variation ID: 819224). This variant has not been reported in the literature in individuals affected with RET-related conditions.